The following is an entry in ClinVar:

ClinVar aggregate classification (germline): Benign/Likely benign. Review status: criteria provided, multiple submitters, no conflicts (2 of 4 stars). 3 submissions from 3 submitters: Benign (1); Likely benign (1). 1 of the submissions does not count toward it. Last evaluated 2025-10-24.

Conditions:
FGFR3-related disorder. Also called: FGFR3-related disorders.

Allele frequency attached by ClinVar (database versions not stated): TOPMed 0.00003; gnomAD 0.00005; gnomAD exomes 0.00008 and 0.00014; ExAC 0.00017; 1000 Genomes Project 0.00040; 1000 Genomes Project 30x 0.00078.
gnomAD v4.1: 127 of 1,612,444 alleles (0.0079%); highest among the groups gnomAD compares: South Asian, 0.11%; 1 homozygote.

Submissions (3):

Labcorp Genetics (formerly Invitae), Labcorp
Classification: Benign. Last evaluated: 2025-10-24. Review status: criteria provided, single submitter. Criteria: Invitae Variant Classification Sherloc (09022015). Collection method: clinical testing. Allele origin: germline.

Blueprint Genetics
Classification: Likely benign. Last evaluated: 2023-01-19. Review status: criteria provided, single submitter. Criteria: ACMG Guidelines, 2015. Collection method: clinical testing. Allele origin: germline.

PreventionGenetics, part of Exact Sciences
Classification: Likely benign for FGFR3-related condition. Last evaluated: 2019-03-21. Review status: no assertion criteria provided. Collection method: clinical testing. Allele origin: germline. Not counted in ClinVar's aggregate classification.
Comment: This variant is classified as likely benign based on ACMG/AMP sequence variant interpretation guidelines (Richards et al. 2015 PMID: 25741868, with internal and published modifications).

NM_000142.5(FGFR3):c.1449C>T (p.Phe483=)

Gene: FGFR3 (fibroblast growth factor receptor 3; plus strand). Cytogenetic location: 4p16.3.
Variant type: single nucleotide variant.
Coding change: c.1449C>T on transcript NM_000142.5 (MANE Select); coding-DNA position 1449, C replaced by T.
Protein change: p.Phe483=; no amino-acid change (phenylalanine 483 retained).
Molecular consequence: synonymous variant. On other transcripts: non-coding transcript variant (1).
Genome position (GRCh38, 1-based): chr4:1,805,391, C>T. VCF-style: chr4-1805391-C-T. GRCh37 (hg19) VCF-style: chr4-1807118-C-T.
Other names: c.1449C>T (NM_000142.4); c.1455C>T, p.Phe485= (NM_001163213.2); c.1452C>T, p.Phe484= (NM_001354809.2, NM_001354810.2); c.1113C>T, p.Phe371= (NM_022965.4).
Identifiers: ClinVar variation 1680078 (VCV001680078.11), dbSNP rs545617229, ClinGen allele CA2810405.